The following is an entry in ClinVar:

NM_000342.4(SLC4A1):c.2327T>G (p.Met776Arg)

Gene: SLC4A1 (solute carrier family 4 member 1 (Diego blood group); minus strand). Cytogenetic location: 17q21.31.
Variant type: single nucleotide variant.
Coding change: c.2327T>G on transcript NM_000342.4 (MANE Select); coding-DNA position 2327, T replaced by G.
Protein change: p.Met776Arg; replaces methionine 776 with arginine.
Molecular consequence: missense variant.
Genome position (GRCh38, 1-based): chr17:44,251,573, A>C on the plus strand (T>G on the coding strand, the complement: SLC4A1 is on the minus strand). VCF-style: chr17-44251573-A-C. GRCh37 (hg19) VCF-style: chr17-42328941-A-C.
Other names: short protein forms M776R.
Identifiers: ClinVar variation 2760517 (VCV002760517.3), dbSNP rs768345613, ClinGen allele CA399781253.

ClinVar aggregate classification (germline): Uncertain significance (1 of 4 stars; one submission).

gnomAD v4.1: 1 of 1,614,066 alleles (0.000062%); highest among the groups gnomAD compares: Non-Finnish European, 0.000085%; no homozygotes.

Submission:

Labcorp Genetics (formerly Invitae), Labcorp
Classification: Uncertain significance. Last evaluated: 2023-09-13. Review status: criteria provided, single submitter. Criteria: Invitae Variant Classification Sherloc (09022015). Collection method: clinical testing. Allele origin: germline.
Comment: This variant is not present in population databases (gnomAD no frequency). In summary, the available evidence is currently insufficient to determine the role of this variant in disease. Therefore, it has been classified as a Variant of Uncertain Significance. Algorithms developed to predict the effect of sequence changes on RNA splicing suggest that this variant may create or strengthen a splice site. Advanced modeling of protein sequence and biophysical properties (such as structural, functional, and spatial information, amino acid conservation, physicochemical variation, residue mobility, and thermodynamic stability) performed at Invitae indicates that this missense variant is expected to disrupt SLC4A1 protein function. This variant has not been reported in the literature in individuals affected with SLC4A1-related conditions. This sequence change replaces methionine, which is neutral and non-polar, with arginine, which is basic and polar, at codon 776 of the SLC4A1 protein (p.Met776Arg).